The following is an entry in ClinVar:

NM_000232.5(SGCB):c.124G>A (p.Ala42Thr)

Gene: SGCB (sarcoglycan beta; minus strand). Cytogenetic location: 4q12.
Variant type: single nucleotide variant.
Coding change: c.124G>A on transcript NM_000232.5 (MANE Select); coding-DNA position 124, G replaced by A.
Protein change: p.Ala42Thr; replaces alanine 42 with threonine.
Molecular consequence: missense variant.
Genome position (GRCh38, 1-based): chr4:52,033,550, C>T on the plus strand (G>A on the coding strand, the complement: SGCB is on the minus strand). VCF-style: chr4-52033550-C-T. GRCh37 (hg19) VCF-style: chr4-52899716-C-T.
Other names: c.124G>A (NM_000232.4); short protein forms A42T.
Identifiers: ClinVar variation 1379048 (VCV001379048.7), dbSNP rs1363676745, ClinGen allele CA356878027.

ClinVar aggregate classification (germline): Uncertain significance. Review status: criteria provided, multiple submitters, no conflicts (2 of 4 stars). 2 submissions from 2 submitters: Uncertain significance (2). Last evaluated 2025-01-06.

Conditions:
Inborn genetic diseases. Identifiers: MedGen C0950123, MeSH D030342.
Autosomal recessive limb-girdle muscular dystrophy type 2E (LGMDR4). Also called: MUSCULAR DYSTROPHY, LIMB-GIRDLE, AUTOSOMAL RECESSIVE 4. Identifiers: Orphanet 119, MedGen C1858593, MONDO:0011423, OMIM 604286. Disease mechanism: Affects gamma-sarcoglycan and also disrupts the integrity of the entire sarcoglycan complex..

Allele frequency attached by ClinVar (database versions not stated): gnomAD exomes below 0.00001; TOPMed below 0.00001; gnomAD 0.00001.
gnomAD v4.1: 4 of 1,613,672 alleles (0.00025%); highest among the groups gnomAD compares: Admixed American, 0.005%; no homozygotes.

Submissions (2):

Labcorp Genetics (formerly Invitae), Labcorp
Classification: Uncertain significance for Autosomal recessive limb-girdle muscular dystrophy type 2E. Last evaluated: 2025-01-06. Review status: criteria provided, single submitter. Criteria: Invitae Variant Classification Sherloc (09022015). Collection method: clinical testing. Allele origin: germline.
Comment: This sequence change replaces alanine, which is neutral and non-polar, with threonine, which is neutral and polar, at codon 42 of the SGCB protein (p.Ala42Thr). This variant is present in population databases (no rsID available, gnomAD 0.01%). This variant has not been reported in the literature in individuals affected with SGCB-related conditions. ClinVar contains an entry for this variant (Variation ID: 1379048). Invitae Evidence Modeling of protein sequence and biophysical properties (such as structural, functional, and spatial information, amino acid conservation, physicochemical variation, residue mobility, and thermodynamic stability) indicates that this missense variant is not expected to disrupt SGCB protein function with a negative predictive value of 80%. In summary, the available evidence is currently insufficient to determine the role of this variant in disease. Therefore, it has been classified as a Variant of Uncertain Significance.

Ambry Genetics
Classification: Uncertain significance for Inborn genetic diseases. Last evaluated: 2023-06-21. Review status: criteria provided, single submitter. Criteria: Ambry Variant Classification Scheme 2023. Collection method: clinical testing. Allele origin: germline.